The following is an entry in ClinVar:

NM_001351132.2(PEX5):c.1384C>T (p.Leu462Phe)

Gene: PEX5 (peroxisomal biogenesis factor 5; plus strand). Cytogenetic location: 12p13.31.
Variant type: single nucleotide variant.
Coding change: c.1384C>T on transcript NM_001351132.2 (MANE Select); coding-DNA position 1384, C replaced by T.
Protein change: p.Leu462Phe; replaces leucine 462 with phenylalanine.
Molecular consequence: missense variant.
Genome position (GRCh38, 1-based): chr12:7,208,659, C>T. VCF-style: chr12-7208659-C-T. GRCh37 (hg19) VCF-style: chr12-7361255-C-T.
Other names: c.1360C>T, p.Leu454Phe (NM_000319.5); c.1429C>T, p.Leu477Phe (NM_001131023.2); c.1273C>T, p.Leu425Phe (NM_001131024.2, NM_001351124.3, NM_001351126.2 and 7 more transcripts); c.1384C>T, p.Leu462Phe (NM_001131025.2, NM_001131026.2, NM_001300789.3 and 4 more transcripts); c.1318C>T, p.Leu440Phe (NM_001351135.3, NM_001351138.2); c.1375C>T, p.Leu459Phe (NM_001351136.2); c.1249C>T, p.Leu417Phe (NM_001351139.2, NM_001351140.2, NM_001374649.2); c.1384C>T (NM_001131025.1); short protein forms L440F, L454F, L459F, L425F, L417F, L462F, L477F.
Identifiers: ClinVar variation 1519442 (VCV001519442.7), dbSNP rs774709242, ClinGen allele CA6426438.

ClinVar aggregate classification (germline): Uncertain significance. Review status: criteria provided, multiple submitters, no conflicts (2 of 4 stars). 2 submissions from 2 submitters: Uncertain significance (2). Last evaluated 2024-06-28.

Conditions:
Inborn genetic diseases. Identifiers: MedGen C0950123, MeSH D030342.
Peroxisome biogenesis disorder 2B (PBD2B). Identifiers: Orphanet 44, MedGen C3550234, MONDO:0008736, OMIM 202370.

Allele frequency attached by ClinVar (database versions not stated): ExAC 0.00001.
gnomAD v4.1: 10 of 1,612,962 alleles (0.00062%); highest among the groups gnomAD compares: East Asian, 0.013%; no homozygotes.

Submissions (2):

Ambry Genetics
Classification: Uncertain significance for Inborn genetic diseases. Last evaluated: 2024-06-28. Review status: criteria provided, single submitter. Criteria: Ambry Variant Classification Scheme 2023. Collection method: clinical testing. Allele origin: germline.

Labcorp Genetics (formerly Invitae), Labcorp
Classification: Uncertain significance for Peroxisome biogenesis disorder 2B. Last evaluated: 2024-06-24. Review status: criteria provided, single submitter. Criteria: Invitae Variant Classification Sherloc (09022015). Collection method: clinical testing. Allele origin: germline.
Comment: This sequence change replaces leucine, which is neutral and non-polar, with phenylalanine, which is neutral and non-polar, at codon 462 of the PEX5 protein (p.Leu462Phe). This variant is present in population databases (rs774709242, gnomAD 0.01%). This variant has not been reported in the literature in individuals affected with PEX5-related conditions. ClinVar contains an entry for this variant (Variation ID: 1519442). Advanced modeling of protein sequence and biophysical properties (such as structural, functional, and spatial information, amino acid conservation, physicochemical variation, residue mobility, and thermodynamic stability) performed at Invitae indicates that this missense variant is not expected to disrupt PEX5 protein function with a negative predictive value of 80%. In summary, the available evidence is currently insufficient to determine the role of this variant in disease. Therefore, it has been classified as a Variant of Uncertain Significance.